The following is an entry in ClinVar:

ClinVar aggregate classification (germline): Benign (3 of 4 stars; one submission).

Conditions:
Breast-ovarian cancer, familial, susceptibility to, 1 (BROVCA1). Also called: BRCA1 Hereditary Breast and Ovarian Cancer; OVARIAN CANCER, SUSCEPTIBILITY TO. Identifiers: Orphanet 145, MedGen C2676676, MONDO:0011450, OMIM 604370. Disease mechanism: loss of function.

Allele frequency attached by ClinVar (database versions not stated): TOPMed 0.30195; gnomAD 0.30738 and 0.31506; 1000 Genomes Project 30x 0.34728; 1000 Genomes Project 0.35323.
gnomAD v4.1: 47,806 of 151,704 alleles (32%); highest among the groups gnomAD compares: South Asian, 49%; 7,811 homozygotes.

Submission:

Evidence-based Network for the Interpretation of Germline Mutant Alleles (ENIGMA)
Classification: Benign for Breast-ovarian cancer, familial 1. Last evaluated: 2015-01-12. Review status: reviewed by expert panel. Criteria: ENIGMA BRCA1/2 Classification Criteria (2015). Collection method: curation. Allele origin: germline.
Comment: Class 1 not pathogenic based on frequency >1% in an outbred sampleset. Frequency 0.3304 (Asian), 0.2175 (African), 0.3602 (European), derived from 1000 genomes (2012-04-30).

NM_007294.4(BRCA1):c.441+1028T>A

Gene: BRCA1 (BRCA1 DNA repair associated; minus strand). Cytogenetic location: 17q21.31.
Variant type: single nucleotide variant.
Coding change: c.441+1028T>A on transcript NM_007294.4 (MANE Select); 1028 bases into the intron after coding-DNA position 441, T replaced by A.
Molecular consequence: intron variant.
Genome position (GRCh38, 1-based): chr17:43,103,094, A>T on the plus strand (T>A on the coding strand, the complement: BRCA1 is on the minus strand). VCF-style: chr17-43103094-A-T. GRCh37 (hg19) VCF-style: chr17-41255111-A-T.
Other names: IVS 7+1028T>A; c.300+1028T>A (NM_001408458.1, NM_001407931.1, NM_001407747.1 and 99 more transcripts); c.-218-8234T>A (NM_001407967.1, NM_001407966.1); c.60+1028T>A (NM_001407959.1, NM_001407962.1, NM_001408512.1 and 4 more transcripts); c.231+1028T>A (NM_001407885.1, NM_001407886.1, NM_001407898.1 and 58 more transcripts); c.441+1028T>A (NM_001407686.1, NM_001408397.1, NM_001407632.1 and 164 more transcripts); c.309+1028T>A (NM_001408451.1); c.363+1028T>A (NM_001408475.1, NM_001407875.1, NM_001407659.1 and 21 more transcripts); and 1 more.
Identifiers: ClinVar variation 209484 (VCV000209484.2), dbSNP rs35908185, ClinGen allele CA276454.